The following is an entry in ClinVar:

NM_006947.4(SRP72):c.926A>G (p.Asn309Ser)

Gene: SRP72 (signal recognition particle 72; plus strand). Cytogenetic location: 4q12.
Variant type: single nucleotide variant.
Coding change: c.926A>G on transcript NM_006947.4 (MANE Select); coding-DNA position 926, A replaced by G.
Protein change: p.Asn309Ser; replaces asparagine 309 with serine.
Molecular consequence: missense variant. On other transcripts: non-coding transcript variant (1).
Genome position (GRCh38, 1-based): chr4:56,483,239, A>G. VCF-style: chr4-56483239-A-G. GRCh37 (hg19) VCF-style: chr4-57349405-A-G.
Other names: c.743A>G, p.Asn248Ser (NM_001267722.2); short protein forms N248S, N309S.
Identifiers: ClinVar variation 4865137 (VCV004865137.1).

ClinVar aggregate classification (germline): Uncertain significance (1 of 4 stars; one submission).

Submission:

Ambry Genetics
Classification: Uncertain significance. Last evaluated: 2026-04-28. Review status: criteria provided, single submitter. Criteria: Ambry Variant Classification Scheme 2023. Collection method: clinical testing. Allele origin: germline.
Comment: The p.N309S variant (also known as c.926A>G), located in coding exon 9 of the SRP72 gene, results from an A to G substitution at nucleotide position 926. The asparagine at codon 309 is replaced by serine, an amino acid with highly similar properties. This amino acid position is conserved. In addition, the in silico prediction for this alteration is inconclusive. Based on the available evidence, the clinical significance of this variant remains unclear.